The following is an entry in ClinVar:

NM_001134407.3(GRIN2A):c.4250G>A (p.Arg1417Gln)

Gene: GRIN2A (glutamate ionotropic receptor NMDA type subunit 2A; minus strand). Cytogenetic location: 16p13.2.
Variant type: single nucleotide variant.
Coding change: c.4250G>A on transcript NM_001134407.3 (MANE Select); coding-DNA position 4250, G replaced by A.
Protein change: p.Arg1417Gln; replaces arginine 1417 with glutamine.
Molecular consequence: missense variant. On other transcripts: 3 prime UTR variant (1).
Genome position (GRCh38, 1-based): chr16:9,763,294, C>T on the plus strand (G>A on the coding strand, the complement: GRIN2A is on the minus strand). VCF-style: chr16-9763294-C-T. GRCh37 (hg19) VCF-style: chr16-9857151-C-T.
Other names: c.4250G>A (NM_000833.3); c.4250G>A, p.Arg1417Gln (NM_000833.5); c.*61G>A (NM_001134408.2); short protein forms R1417Q.
Identifiers: ClinVar variation 444360 (VCV000444360.48), dbSNP rs1346618506, ClinGen allele CA394705567.
Genomic context (GRCh38, chr16:9,763,294, plus strand): 5'-TTATTCTTATTTGCAGCATAAGGCATAACATGCTCCGAAATATACACATCATTGTGGCCC[C>T]GACTGTCCCTGGAACAGTACGATGCCGTTGACCTCAAGGACGACCGAAGATAGCTGTCAT-3'
Protein context (NP_001127879.1, residues 1407-1427): STASYCSRDS[Arg1417Gln]GHNDVYISEH

ClinVar aggregate classification (germline): Uncertain significance. Review status: criteria provided, multiple submitters, no conflicts (2 of 4 stars). 5 submissions from 5 submitters: Uncertain significance (5). Last evaluated 2026-07-01.

Conditions:
Inborn genetic diseases. Identifiers: MedGen C0950123, MeSH D030342.
Landau-Kleffner syndrome (FESD). Also called: EPILEPSY, FOCAL, WITH SPEECH DISORDER AND WITH OR WITHOUT MENTAL RETARDATION; APHASIA, ACQUIRED, WITH EPILEPSY. Identifiers: Orphanet 1945, Orphanet 725, Orphanet 98818, MedGen C0282512, MONDO:0009509, OMIM 245570.

Allele frequency attached by ClinVar (database versions not stated): gnomAD exomes below 0.00001.
gnomAD v4.1: 2 of 1,614,088 alleles (0.00012%); highest among the groups gnomAD compares: Non-Finnish European, 0.00017%; no homozygotes.

Submissions (5):

CeGaT Center for Human Genetics Tuebingen
Classification: Uncertain significance. Last evaluated: 2026-07-01. Review status: criteria provided, single submitter. Criteria: CeGaT Center For Human Genetics Tuebingen Variant Classification Criteria Version 2. Collection method: clinical testing. Allele origin: germline. Affected: yes. Observed: 3 variant alleles.
Comment: GRIN2A: PM2:Supporting, BP4

Greenwood Genetic Center Diagnostic Laboratories, Greenwood Genetic Center
Classification: Uncertain significance. Last evaluated: 2026-06-18. Review status: criteria provided, single submitter. Criteria: ACMG Guidelines, 2015. Collection method: clinical testing. Allele origin: germline.
Comment: BP4

Blueprint Genetics
Classification: Uncertain significance. Last evaluated: 2024-06-19. Review status: criteria provided, single submitter. Criteria: ACMG Guidelines, 2015. Collection method: clinical testing. Allele origin: germline.

Labcorp Genetics (formerly Invitae), Labcorp
Classification: Uncertain significance for Landau-Kleffner syndrome. Last evaluated: 2024-06-18. Review status: criteria provided, single submitter. Criteria: Invitae Variant Classification Sherloc (09022015). Collection method: clinical testing. Allele origin: germline.
Comment: This sequence change replaces arginine, which is basic and polar, with glutamine, which is neutral and polar, at codon 1417 of the GRIN2A protein (p.Arg1417Gln). This variant is present in population databases (no rsID available, gnomAD 0.0009%). This variant has not been reported in the literature in individuals affected with GRIN2A-related conditions. ClinVar contains an entry for this variant (Variation ID: 444360). Advanced modeling of protein sequence and biophysical properties (such as structural, functional, and spatial information, amino acid conservation, physicochemical variation, residue mobility, and thermodynamic stability) performed at Invitae indicates that this missense variant is not expected to disrupt GRIN2A protein function with a negative predictive value of 95%. In summary, the available evidence is currently insufficient to determine the role of this variant in disease. Therefore, it has been classified as a Variant of Uncertain Significance.

Ambry Genetics
Classification: Uncertain significance for Inborn genetic diseases. Last evaluated: 2023-03-24. Review status: criteria provided, single submitter. Criteria: Ambry Variant Classification Scheme 2023. Collection method: clinical testing. Allele origin: germline.